The following is an entry in ClinVar:

NM_001371928.1(AHDC1):c.4378A>C (p.Ser1460Arg)

Gene: AHDC1 (AT-hook DNA binding motif containing 1; minus strand). Cytogenetic location: 1p36.11.
Variant type: single nucleotide variant.
Coding change: c.4378A>C on transcript NM_001371928.1 (MANE Select); coding-DNA position 4378, A replaced by C.
Protein change: p.Ser1460Arg; replaces serine 1460 with arginine.
Molecular consequence: missense variant.
Genome position (GRCh38, 1-based): chr1:27,547,738, T>G on the plus strand (A>C on the coding strand, the complement: AHDC1 is on the minus strand). VCF-style: chr1-27547738-T-G. GRCh37 (hg19) VCF-style: chr1-27874249-T-G.
Other names: c.4378A>C, p.Ser1460Arg (NM_001029882.3); short protein forms S1460R.
Identifiers: ClinVar variation 3350011 (VCV003350011.1).
Genomic context (GRCh38, chr1:27,547,738, plus strand): 5'-CATAGGGCGGGCTGCGGGCAGCTGAGCCTGGAGGGTACCAATAGGCTGTGCCCTTGCAGC[T>G]GGGGGAATCGTAGTGGGGCTGGCCCAGCGGCAGGTCCCGGCAGCTCAGGTGGGCCTGGGC-3'
Protein context (NP_001358857.1, residues 1450-1470): PLGQPHYDSP[Ser1460Arg]CKGTAYWYPP

ClinVar aggregate classification (germline): Uncertain significance (0 of 4 stars; one submission).

Conditions:
AHDC1-related disorder. Also called: AHDC1-related condition.

Submission:

PreventionGenetics, part of Exact Sciences
Classification: Uncertain significance for AHDC1-related condition. Last evaluated: 2024-03-05. Review status: no assertion criteria provided. Collection method: clinical testing. Allele origin: germline.
Comment: The AHDC1 c.4378A>C variant is predicted to result in the amino acid substitution p.Ser1460Arg. To our knowledge, this variant has not been reported in the literature or in a large population database, indicating this variant is rare. At this time, the clinical significance of this variant is uncertain due to the absence of conclusive functional and genetic evidence.